The following is an entry in ClinVar:

NR_023343.3(RNU4ATAC):n.122T>C

Genes: CLASP1 (cytoplasmic linker associated protein 1; minus strand), CLASP1-AS1 (CLASP1 antisense RNA 1; plus strand), RNU4ATAC (RNA, U4atac small nuclear; plus strand). Cytogenetic location: 2q14.2.
Variant type: single nucleotide variant.
Molecular consequence: non-coding transcript variant (on NR_023343.3). On other transcripts: intron variant (8).
Genome position: GRCh38 VCF-style: chr2-121531001-T-C. GRCh37 (hg19) VCF-style: chr2-122288577-T-C.
Other names: NM_001395891.1:c.196-676A>G; c.196-676A>G (NM_001142274.2, NM_015282.3, NM_001378003.1 and 5 more transcripts).
Identifiers: ClinVar variation 4082370 (VCV004082370.1).

ClinVar aggregate classification (germline): Uncertain significance (1 of 4 stars; one submission).

Conditions:
RNU4ATAC spectrum disorder. Also called: RNU4atac-opathy. Identifiers: MedGen CN377746, MONDO:0100558.

gnomAD v4.1: 4 of 700,274 alleles (0.00057%); highest among the groups gnomAD compares: South Asian, 0.003%; no homozygotes.

Submission:

Broad Center for Mendelian Genomics, Broad Institute of MIT and Harvard
Classification: Uncertain significance for RNU4ATAC spectrum disorder. Last evaluated: 2025-08-21. Review status: criteria provided, single submitter. Criteria: Ellingford et al. (Genome Med. 2022). Collection method: curation. Allele origin: germline. Inheritance: Autosomal recessive inheritance.
Comment: The n.122T>C variant has not been previously reported in the literature in individuals with RNU4ATAC spectrum disorder, but has been identified in 0.002% (2/67500) of South Asian chromosomes by the Genome Aggregation Database (gnomAD; dbSNP rs576987062). Although this variant has been seen in the general population in a heterozygous state, its frequency is low enough to be consistent with a recessive carrier frequency. The n.122T>C variant is located in the Sm protein binding region of RNU4ATAC where several other variants have been identified, suggesting that this variant is in a functional domain and supports pathogenicity (PMID: 26522830, 32628740). In summary, while there is some suspicion for a pathogenic role, the clinical significance of this variant is uncertain. ACMG/AMP Criteria applied: PM1, PM3, PM2_supporting (Richards 2015).